The following is an entry in ClinVar:

ClinVar aggregate classification (germline): Uncertain significance (1 of 4 stars; one submission).

Conditions:
Developmental and epileptic encephalopathy 94 (DEE94). Also called: CHD2-Related Neurodevelopmental Disorders; Epileptic encephalopathy, childhood-onset. Identifiers: Orphanet 1942, Orphanet 2382, MedGen C3809278, MONDO:0014150, OMIM 615369.

Submission:

Labcorp Genetics (formerly Invitae), Labcorp
Classification: Uncertain significance for Developmental and epileptic encephalopathy 94. Last evaluated: 2024-12-16. Review status: criteria provided, single submitter. Criteria: Invitae Variant Classification Sherloc (09022015). Collection method: clinical testing. Allele origin: germline.
Comment: This sequence change replaces glutamic acid, which is acidic and polar, with aspartic acid, which is acidic and polar, at codon 1582 of the CHD2 protein (p.Glu1582Asp). This variant is not present in population databases (gnomAD no frequency). This variant has not been reported in the literature in individuals affected with CHD2-related conditions. ClinVar contains an entry for this variant (Variation ID: 1443155). Invitae Evidence Modeling of protein sequence and biophysical properties (such as structural, functional, and spatial information, amino acid conservation, physicochemical variation, residue mobility, and thermodynamic stability) indicates that this missense variant is not expected to disrupt CHD2 protein function with a negative predictive value of 95%. In summary, the available evidence is currently insufficient to determine the role of this variant in disease. Therefore, it has been classified as a Variant of Uncertain Significance.

NM_001271.4(CHD2):c.4746G>C (p.Glu1582Asp)

Gene: CHD2 (chromodomain helicase DNA binding protein 2; plus strand). Cytogenetic location: 15q26.1.
Variant type: single nucleotide variant.
Coding change: c.4746G>C on transcript NM_001271.4 (MANE Select); coding-DNA position 4746, G replaced by C.
Protein change: p.Glu1582Asp; replaces glutamic acid 1582 with aspartic acid.
Molecular consequence: missense variant.
Genome position (GRCh38, 1-based): chr15:93,014,749, G>C. VCF-style: chr15-93014749-G-C. GRCh37 (hg19) VCF-style: chr15-93557979-G-C.
Other names: short protein forms E1582D.
Identifiers: ClinVar variation 1443155 (VCV001443155.6), dbSNP rs2141888193, ClinGen allele CA393905940.